The following is an entry in ClinVar:

NM_000081.4(LYST):c.6769G>T (p.Ala2257Ser)

Gene: LYST (lysosomal trafficking regulator; minus strand). Cytogenetic location: 1q42.3.
Variant type: single nucleotide variant.
Coding change: c.6769G>T on transcript NM_000081.4 (MANE Select); coding-DNA position 6769, G replaced by T.
Protein change: p.Ala2257Ser; replaces alanine 2257 with serine.
Molecular consequence: missense variant.
Genome position (GRCh38, 1-based): chr1:235,759,084, C>A on the plus strand (G>T on the coding strand, the complement: LYST is on the minus strand). VCF-style: chr1-235759084-C-A. GRCh37 (hg19) VCF-style: chr1-235922384-C-A.
Other names: c.6769G>T (NM_000081.2); c.6769G>T, p.Ala2257Ser (NM_001301365.1); short protein forms A2257S.
Identifiers: ClinVar variation 1906183 (VCV001906183.7), dbSNP rs752318064, ClinGen allele CA1466318.

ClinVar aggregate classification (germline): Uncertain significance. Review status: criteria provided, multiple submitters, no conflicts (2 of 4 stars). 3 submissions from 3 submitters: Uncertain significance (3). Last evaluated 2026-08-05.

Conditions:
Chédiak-Higashi syndrome (CHS). Also called: Chediak-Higashi Syndrome. Identifiers: Orphanet 167, MedGen C0007965, MONDO:0008963, OMIM 214500.
Inborn genetic diseases. Identifiers: MedGen C0950123, MeSH D030342.

Allele frequency attached by ClinVar (database versions not stated): TOPMed below 0.00001; ExAC 0.00001; gnomAD exomes 0.00001.
gnomAD v4.1: 10 of 1,614,192 alleles (0.00062%); highest among the groups gnomAD compares: Admixed American, 0.0017%; no homozygotes.

Submissions (3):

Ambry Genetics
Classification: Uncertain significance for Inborn genetic diseases. Last evaluated: 2026-08-05. Review status: criteria provided, single submitter. Criteria: Ambry Variant Classification Scheme 2023. Collection method: clinical testing. Allele origin: germline.
Comment: The c.6769G>T (p.A2257S) alteration is located in exon 23 (coding exon 21) of the LYST gene. This alteration results from a G to T substitution at nucleotide position 6769, causing the alanine (A) at amino acid position 2257 to be replaced by a serine (S). Based on data from gnomAD, the T allele has an overall frequency of 0.001% (3/250656) total alleles studied. The highest observed frequency was 0.003% (1/34522) of Latino alleles. Based on insufficient or conflicting evidence, the clinical significance of this alteration remains unclear.

Women's Health and Genetics/Laboratory Corporation of America, LabCorp
Classification: Uncertain significance. Last evaluated: 2026-03-25. Review status: criteria provided, single submitter. Criteria: LabCorp Variant Classification Summary - May 2015. Collection method: clinical testing. Allele origin: germline.
Comment: Variant summary: LYST c.6769G>T (p.Ala2257Ser) results in a conservative amino acid change in the encoded protein sequence. Algorithms developed to predict the effect of missense changes on protein structure and function all suggest that this variant is likely to be tolerated. The variant allele was found at a frequency of 1.2e-05 in 250656 control chromosomes. The available data on variant occurrences in the general population are insufficient to allow any conclusion about variant significance. To our knowledge, no occurrence of c.6769G>T in individuals affected with LYST-related conditions and no experimental evidence demonstrating its impact on protein function have been reported. ClinVar contains an entry for this variant (Variation ID: 1906183). Based on the evidence outlined above, the variant was classified as uncertain significance.

Labcorp Genetics (formerly Invitae), Labcorp
Classification: Uncertain significance for Chédiak-Higashi syndrome. Last evaluated: 2024-09-23. Review status: criteria provided, single submitter. Criteria: Invitae Variant Classification Sherloc (09022015). Collection method: clinical testing. Allele origin: germline.
Comment: This sequence change replaces alanine, which is neutral and non-polar, with serine, which is neutral and polar, at codon 2257 of the LYST protein (p.Ala2257Ser). This variant is present in population databases (rs752318064, gnomAD 0.003%). This variant has not been reported in the literature in individuals affected with LYST-related conditions. ClinVar contains an entry for this variant (Variation ID: 1906183). Invitae Evidence Modeling of protein sequence and biophysical properties (such as structural, functional, and spatial information, amino acid conservation, physicochemical variation, residue mobility, and thermodynamic stability) indicates that this missense variant is not expected to disrupt LYST protein function with a negative predictive value of 80%. In summary, the available evidence is currently insufficient to determine the role of this variant in disease. Therefore, it has been classified as a Variant of Uncertain Significance.